The following is an entry in ClinVar:

ClinVar aggregate classification (germline): Pathogenic (1 of 4 stars; one submission).

Conditions:
Joubert syndrome. Also called: CEREBELLOPARENCHYMAL DISORDER IV; JOUBERT-BOLTSHAUSER SYNDROME; Familial aplasia of the vermis. Identifiers: Orphanet 475, MedGen C5979921, MONDO:0018772.
Nephronophthisis. Also called: Juvenile Nephronophthisis. Identifiers: Orphanet 655, MedGen C0687120, MONDO:0019005, HP:0000090.
Meckel-Gruber syndrome. Also called: DYSENCEPHALIA SPLANCHNOCYSTICA; GRUBER SYNDROME; Dysencephalia splachnocystica. Identifiers: Orphanet 564, MedGen C0265215, MONDO:0018921.

Submission:

Labcorp Genetics (formerly Invitae), Labcorp
Classification: Pathogenic for Joubert syndrome; Meckel-Gruber syndrome; Nephronophthisis. Last evaluated: 2023-06-16. Review status: criteria provided, single submitter. Criteria: Invitae Variant Classification Sherloc (09022015). Collection method: clinical testing. Allele origin: germline.
Comment: This variant has not been reported in the literature in individuals affected with CEP290-related conditions. For these reasons, this variant has been classified as Pathogenic. This variant is not present in population databases (gnomAD no frequency). This sequence change creates a premature translational stop signal (p.Lys1600*) in the CEP290 gene. It is expected to result in an absent or disrupted protein product. Loss-of-function variants in CEP290 are known to be pathogenic (PMID: 16909394, 17345604, 20690115).

Literature cited by the submitters: PubMed 16909394; PubMed 17345604; PubMed 20690115.

NM_025114.4(CEP290):c.4798A>T (p.Lys1600Ter)

Gene: CEP290 (centrosomal protein 290; minus strand). Cytogenetic location: 12q21.32.
Variant type: single nucleotide variant.
Coding change: c.4798A>T on transcript NM_025114.4 (MANE Select); coding-DNA position 4798, A replaced by T.
Protein change: p.Lys1600Ter; replaces lysine 1600 with a stop codon.
Molecular consequence: nonsense.
Genome position (GRCh38, 1-based): chr12:88,083,861, T>A on the plus strand (A>T on the coding strand, the complement: CEP290 is on the minus strand). VCF-style: chr12-88083861-T-A. GRCh37 (hg19) VCF-style: chr12-88477638-T-A.
Other names: short protein forms K1600*.
Identifiers: ClinVar variation 2948937 (VCV002948937.3), dbSNP rs2499972252, ClinGen allele CA385993223.